The following is an entry in ClinVar:

ClinVar aggregate classification (germline): Uncertain significance. Review status: criteria provided, multiple submitters, no conflicts (2 of 4 stars). 2 submissions from 2 submitters: Uncertain significance (2). Last evaluated 2023-04-24.

Conditions:
Cardiovascular phenotype. Identifiers: MedGen CN230736.

Allele frequency attached by ClinVar (database versions not stated): gnomAD exomes below 0.00001; gnomAD 0.00001; ExAC 0.00002; TOPMed 0.00002.
gnomAD v4.1: 4 of 1,590,224 alleles (0.00025%); highest among the groups gnomAD compares: African/African-American, 0.0054%; no homozygotes.

Submissions (2):

Ambry Genetics
Classification: Uncertain significance for Cardiovascular phenotype. Last evaluated: 2023-04-24. Review status: criteria provided, single submitter. Criteria: Ambry Variant Classification Scheme 2023. Collection method: clinical testing. Allele origin: germline.
Comment: The p.I4F variant (also known as c.10A>T), located in coding exon 1 of the FKTN gene, results from an A to T substitution at nucleotide position 10. The isoleucine at codon 4 is replaced by phenylalanine, an amino acid with highly similar properties. This amino acid position is conserved. In addition, the in silico prediction for this alteration is inconclusive. Since supporting evidence is limited at this time, the clinical significance of this alteration remains unclear.

Revvity Omics, Revvity
Classification: Uncertain significance. Last evaluated: 2019-11-15. Review status: criteria provided, single submitter. Criteria: ACMG Guidelines, 2015. Collection method: clinical testing. Allele origin: germline.

NM_001079802.2(FKTN):c.10A>T (p.Ile4Phe)

Gene: FKTN (fukutin; plus strand). Cytogenetic location: 9q31.2.
Variant type: single nucleotide variant.
Coding change: c.10A>T on transcript NM_001079802.2 (MANE Select); coding-DNA position 10, A replaced by T.
Protein change: p.Ile4Phe; replaces isoleucine 4 with phenylalanine.
Molecular consequence: missense variant. On other transcripts: 5 prime UTR variant (5), non-coding transcript variant (2).
Genome position (GRCh38, 1-based): chr9:105,575,042, A>T. VCF-style: chr9-105575042-A-T. GRCh37 (hg19) VCF-style: chr9-108337323-A-T.
Other names: c.10A>T, p.Ile4Phe (NM_001198963.2, NM_001351496.2, NM_001351498.2 and 1 more transcripts); c.-158A>T (NM_001351497.2); c.-505A>T (NM_001351499.2, NM_001351500.2, NM_001351501.2 and 1 more transcripts); short protein forms I4F.
Identifiers: ClinVar variation 2441454 (VCV002441454.5), dbSNP rs757900916, ClinGen allele CA5170282.